The following is an entry in ClinVar:

NM_018136.5(ASPM):c.853A>T (p.Asn285Tyr)

Gene: ASPM (assembly factor for spindle microtubules; minus strand). Cytogenetic location: 1q31.3.
Variant type: single nucleotide variant.
Coding change: c.853A>T on transcript NM_018136.5 (MANE Select); coding-DNA position 853, A replaced by T.
Protein change: p.Asn285Tyr; replaces asparagine 285 with tyrosine.
Molecular consequence: missense variant.
Genome position (GRCh38, 1-based): chr1:197,143,399, T>A on the plus strand (A>T on the coding strand, the complement: ASPM is on the minus strand). VCF-style: chr1-197143399-T-A. GRCh37 (hg19) VCF-style: chr1-197112529-T-A.
Other names: c.853A>T, p.Asn285Tyr (NM_001206846.2); short protein forms N285Y.
Identifiers: ClinVar variation 1393888 (VCV001393888.6), dbSNP rs1263905709, ClinGen allele CA344018764.

ClinVar aggregate classification (germline): Uncertain significance (1 of 4 stars; one submission).

Allele frequency attached by ClinVar (database versions not stated): gnomAD exomes below 0.00001 and 0.00001.
gnomAD v4.1: 5 of 1,613,970 alleles (0.00031%); highest among the groups gnomAD compares: Non-Finnish European, 0.00042%; no homozygotes.

Submission:

Labcorp Genetics (formerly Invitae), Labcorp
Classification: Uncertain significance. Last evaluated: 2023-10-13. Review status: criteria provided, single submitter. Criteria: Invitae Variant Classification Sherloc (09022015). Collection method: clinical testing. Allele origin: germline.
Comment: This sequence change replaces asparagine, which is neutral and polar, with tyrosine, which is neutral and polar, at codon 285 of the ASPM protein (p.Asn285Tyr). This variant is present in population databases (no rsID available, gnomAD 0.002%). This variant has not been reported in the literature in individuals affected with ASPM-related conditions. ClinVar contains an entry for this variant (Variation ID: 1393888). Advanced modeling of protein sequence and biophysical properties (such as structural, functional, and spatial information, amino acid conservation, physicochemical variation, residue mobility, and thermodynamic stability) performed at Invitae indicates that this missense variant is not expected to disrupt ASPM protein function. In summary, the available evidence is currently insufficient to determine the role of this variant in disease. Therefore, it has been classified as a Variant of Uncertain Significance.